The following is an entry in ClinVar:

NM_012330.4(KAT6B):c.4109A>C (p.Glu1370Ala)

Gene: KAT6B (lysine acetyltransferase 6B; plus strand). Cytogenetic location: 10q22.2.
Variant type: single nucleotide variant.
Coding change: c.4109A>C on transcript NM_012330.4 (MANE Select); coding-DNA position 4109, A replaced by C.
Protein change: p.Glu1370Ala; replaces glutamic acid 1370 with alanine.
Molecular consequence: missense variant.
Genome position (GRCh38, 1-based): chr10:75,028,933, A>C. VCF-style: chr10-75028933-A-C. GRCh37 (hg19) VCF-style: chr10-76788691-A-C.
Other names: c.3560A>C, p.Glu1187Ala (NM_001256468.2, NM_001370138.1); c.3233A>C, p.Glu1078Ala (NM_001256469.2, NM_001370139.1, NM_001370140.1 and 2 more transcripts); c.3071A>C, p.Glu1024Ala (NM_001370132.1); c.2420A>C, p.Glu807Ala (NM_001370133.1); c.2024A>C, p.Glu675Ala (NM_001370134.1); c.1766A>C, p.Glu589Ala (NM_001370135.1); c.4109A>C, p.Glu1370Ala (NM_001370136.1, NM_001370137.1); c.3044A>C, p.Glu1015Ala (NM_001370143.1, NM_001370144.1); short protein forms E1370A, E589A, E675A, E1015A, E1078A, E1187A, E1024A, E807A.
Identifiers: ClinVar variation 3659517 (VCV003659517.2).

ClinVar aggregate classification (germline): Uncertain significance (1 of 4 stars; one submission).

Conditions:
Genitopatellar syndrome (GTPTS). Also called: ABSENT PATELLAE, SCROTAL HYPOPLASIA, RENAL ANOMALIES, FACIAL DYSMORPHISM, AND MENTAL RETARDATION; Genitopatellar syndrome (GPS). Identifiers: Orphanet 85201, MedGen C1853566, MONDO:0011640, OMIM 606170.

Submission:

Labcorp Genetics (formerly Invitae), Labcorp
Classification: Uncertain significance for Genitopatellar syndrome. Last evaluated: 2024-09-27. Review status: criteria provided, single submitter. Criteria: Invitae Variant Classification Sherloc (09022015). Collection method: clinical testing. Allele origin: germline.
Comment: This sequence change replaces glutamic acid, which is acidic and polar, with alanine, which is neutral and non-polar, at codon 1370 of the KAT6B protein (p.Glu1370Ala). This variant is not present in population databases (gnomAD no frequency). This variant has not been reported in the literature in individuals affected with KAT6B-related conditions. Invitae Evidence Modeling of protein sequence and biophysical properties (such as structural, functional, and spatial information, amino acid conservation, physicochemical variation, residue mobility, and thermodynamic stability) indicates that this missense variant is not expected to disrupt KAT6B protein function with a negative predictive value of 80%. In summary, the available evidence is currently insufficient to determine the role of this variant in disease. Therefore, it has been classified as a Variant of Uncertain Significance.